The following is an entry in ClinVar:

NM_015046.7(SETX):c.3763A>G (p.Arg1255Gly)

Gene: SETX (senataxin; minus strand). Cytogenetic location: 9q34.13.
Variant type: single nucleotide variant.
Coding change: c.3763A>G on transcript NM_015046.7 (MANE Select); coding-DNA position 3763, A replaced by G.
Protein change: p.Arg1255Gly; replaces arginine 1255 with glycine.
Molecular consequence: missense variant.
Genome position (GRCh38, 1-based): chr9:132,327,835, T>C on the plus strand (A>G on the coding strand, the complement: SETX is on the minus strand). VCF-style: chr9-132327835-T-C. GRCh37 (hg19) VCF-style: chr9-135203222-T-C.
Other names: c.3763A>G, p.Arg1255Gly (NM_001351527.2, NM_001351528.2); short protein forms R1255G.
Identifiers: ClinVar variation 5002960 (VCV005002960.1).

ClinVar aggregate classification (germline): Uncertain significance (1 of 4 stars; one submission).

Conditions:
Amyotrophic lateral sclerosis type 4 (ALS4). Also called: AMYOTROPHIC LATERAL SCLEROSIS 4, JUVENILE; NEURONOPATHY, DISTAL HEREDITARY MOTOR, WITH PYRAMIDAL FEATURES. Identifiers: Orphanet 357043, MedGen C1865409, MONDO:0011223, OMIM 602433.

Submission:

OLLIN Analises Genomicas, OLLIN
Classification: Uncertain significance for Amyotrophic lateral sclerosis type 4. Last evaluated: 2026-08-06. Review status: criteria provided, single submitter. Criteria: ACMG Guidelines 2015 PMID 25741868. Collection method: clinical testing. Allele origin: germline. Inheritance: Autosomal dominant inheritance.
Comment: This missense variant, located in exon 10 (of 26), is absent from gnomAD and ClinVar and has not been identified in the literature. In silico analysis is inconclusive regarding the impact of this variant. According to the currently available evidence, this variant has been classified as uncertain significance (PM2_P).